The following is an entry in ClinVar:

NM_015215.4(CAMTA1):c.3414G>A (p.Ser1138=)

Gene: CAMTA1 (calmodulin binding transcription activator 1; plus strand). Cytogenetic location: 1p36.23.
Variant type: single nucleotide variant.
Coding change: c.3414G>A on transcript NM_015215.4 (MANE Select); coding-DNA position 3414, G replaced by A.
Protein change: p.Ser1138=; no amino-acid change (serine 1138 retained).
Molecular consequence: synonymous variant.
Genome position (GRCh38, 1-based): chr1:7,737,326, G>A. VCF-style: chr1-7737326-G-A. GRCh37 (hg19) VCF-style: chr1-7797386-G-A.
Other names: c.3324G>A, p.Ser1108= (NM_001349608.2, NM_001349612.2); c.3414G>A, p.Ser1138= (NM_001349609.2, NM_001349610.2, NM_001410737.1); c.543G>A, p.Ser181= (NM_001349613.1); c.486G>A, p.Ser162= (NM_001349614.1, NM_001349615.2, NM_001349616.2 and 10 more transcripts); c.3342G>A, p.Ser1114= (NM_001410738.1).
Identifiers: ClinVar variation 3033367 (VCV003033367.2), dbSNP rs756637047, ClinGen allele CA566954.

ClinVar aggregate classification (germline): Likely benign (0 of 4 stars; one submission).

Conditions:
CAMTA1-related disorder. Also called: CAMTA1-related condition.

Allele frequency attached by ClinVar (database versions not stated): gnomAD 0.00003.
gnomAD v4.1: 36 of 1,614,060 alleles (0.0022%); highest among the groups gnomAD compares: East Asian, 0.0067%; no homozygotes.

Submission:

PreventionGenetics, part of Exact Sciences
Classification: Likely benign for CAMTA1-related condition. Last evaluated: 2019-06-14. Review status: no assertion criteria provided. Collection method: clinical testing. Allele origin: germline.
Comment: This variant is classified as likely benign based on ACMG/AMP sequence variant interpretation guidelines (Richards et al. 2015 PMID: 25741868, with internal and published modifications).